The following is an entry in ClinVar:

NM_000132.4(F8):c.2777del (p.Pro926fs)

Gene: F8 (coagulation factor VIII; minus strand). Cytogenetic location: Xq28.
Variant type: Deletion.
Coding change: c.2777del on transcript NM_000132.4 (MANE Select); coding-DNA position 2777, one base deleted (C; older notation c.2777delC).
Protein change: p.Pro926fs; shifts the reading frame from proline 926.
Molecular consequence: frameshift variant.
Genome position (GRCh38, 1-based): chrX:154,931,013, G deleted on the plus strand (C on the coding strand, the reverse complement: F8 is on the minus strand); the first of 5 consecutive G bases (chrX:154,931,013-154,931,017); deleting any one gives the same sequence. VCF-style (leftmost placement, unchanged base first): chrX-154931012-TG-T. GRCh37 (hg19) VCF-style: chrX-154159287-TG-T.
Other names: c.2777delC (NM_000132.4); short protein forms P926fs.
Identifiers: ClinVar variation 3896209 (VCV003896209.2).

ClinVar aggregate classification (germline): Pathogenic (1 of 4 stars; one submission).

Conditions:
Hereditary factor VIII deficiency disease (HEMA). Also called: HEMOPHILIA, CLASSIC; AUTOSOMAL HEMOPHILIA A; Hemophilia A; Hemophilia A, congenital; HEM A; Factor 8 deficiency, congenital. Identifiers: Orphanet 98878, MedGen C0019069, MONDO:0010602, OMIM 306700.

Submission:

Women's Health and Genetics/Laboratory Corporation of America, LabCorp
Classification: Pathogenic for Hereditary factor VIII deficiency disease. Last evaluated: 2025-04-17. Review status: criteria provided, single submitter. Criteria: LabCorp Variant Classification Summary - May 2015. Collection method: clinical testing. Allele origin: germline.
Comment: Variant summary: F8 c.2777delC (p.Pro926GlnfsX11) results in a premature termination codon, predicted to cause a truncation of the encoded protein or absence of the protein due to nonsense mediated decay, which are commonly known mechanisms for disease. The variant was absent in 161844 control chromosomes. c.2777delC has been observed in individuals affected with Factor VIII Deficiency (Hemophilia A) (e.g., Feng _2020, Ravanbod_2012). The following publications have been ascertained in the context of this evaluation (PMID: 33245802, 22117735). No submitters have cited clinical-significance assessments for this variant to ClinVar. Based on the evidence outlined above, the variant was classified as pathogenic.

Literature cited by the submitters: PubMed 22117735; PubMed 33245802.